The following is an entry in ClinVar:

ClinVar aggregate classification (germline): Uncertain significance (1 of 4 stars; one submission).

Submission:

Labcorp Genetics (formerly Invitae), Labcorp
Classification: Uncertain significance. Last evaluated: 2026-01-27. Review status: criteria provided, single submitter. Criteria: Invitae Variant Classification Sherloc (09022015). Collection method: clinical testing. Allele origin: germline.
Comment: This sequence change replaces valine, which is neutral and non-polar, with isoleucine, which is neutral and non-polar, at codon 597 of the KIF20A protein (p.Val597Ile). This variant is not present in population databases (gnomAD no frequency). This variant has not been reported in the literature in individuals affected with KIF20A-related conditions. An algorithm developed to predict the effect of missense changes on protein structure and function outputs the following: PolyPhen-2: "Benign". The isoleucine amino acid residue is found in multiple mammalian species, which suggests that this missense change does not adversely affect protein function. In summary, the available evidence is currently insufficient to determine the role of this variant in disease. Therefore, it has been classified as a Variant of Uncertain Significance.

NM_005733.3(KIF20A):c.1789G>A (p.Val597Ile)

Gene: KIF20A (kinesin family member 20A; plus strand). Cytogenetic location: 5q31.2.
Variant type: single nucleotide variant.
Coding change: c.1789G>A on transcript NM_005733.3 (MANE Select); coding-DNA position 1789, G replaced by A.
Protein change: p.Val597Ile; replaces valine 597 with isoleucine.
Molecular consequence: missense variant.
Genome position (GRCh38, 1-based): chr5:138,184,912, G>A. VCF-style: chr5-138184912-G-A. GRCh37 (hg19) VCF-style: chr5-137520601-G-A.
Other names: short protein forms V597I.
Identifiers: ClinVar variation 4736297 (VCV004736297.1).